The following is an entry in ClinVar:

NM_004994.3(MMP9):c.173C>T (p.Ala58Val)

Gene: MMP9 (matrix metallopeptidase 9; plus strand). Cytogenetic location: 20q13.12.
Variant type: single nucleotide variant.
Coding change: c.173C>T on transcript NM_004994.3 (MANE Select); coding-DNA position 173, C replaced by T.
Protein change: p.Ala58Val; replaces alanine 58 with valine.
Molecular consequence: missense variant.
Genome position (GRCh38, 1-based): chr20:46,009,900, C>T. VCF-style: chr20-46009900-C-T. GRCh37 (hg19) VCF-style: chr20-44638539-C-T.
Other names: short protein forms A58V.
Identifiers: ClinVar variation 2182747 (VCV002182747.4), dbSNP rs373331430, ClinGen allele CA9886341.
Genomic context (GRCh38, chr20:46,009,900, plus strand): 5'-GCATGTGTGTGTCCCTTCATCCACAGGAATACCTGTACCGCTATGGTTACACTCGGGTGG[C>T]AGAGATGCGTGGAGAGTCGAAATCTCTGGGGCCTGCGCTGCTGCTTCTCCAGAAGCAACT-3'
Protein context (NP_004985.2, residues 48-68): YLYRYGYTRV[Ala58Val]EMRGESKSLG

ClinVar aggregate classification (germline): Uncertain significance (1 of 4 stars; one submission).

Allele frequency attached by ClinVar (database versions not stated): gnomAD exomes below 0.00001; gnomAD 0.00001; TOPMed 0.00002; ESP Exome Variant Server 0.00008; ExAC 0.00014.
gnomAD v4.1: 8 of 1,552,046 alleles (0.00052%); highest among the groups gnomAD compares: Middle Eastern, 0.033%; no homozygotes.

Submission:

Labcorp Genetics (formerly Invitae), Labcorp
Classification: Uncertain significance. Last evaluated: 2026-01-19. Review status: criteria provided, single submitter. Criteria: Invitae Variant Classification Sherloc (09022015). Collection method: clinical testing. Allele origin: germline.
Comment: This sequence change replaces alanine, which is neutral and non-polar, with valine, which is neutral and non-polar, at codon 58 of the MMP9 protein (p.Ala58Val). This variant is present in population databases (rs373331430, gnomAD 0.01%). This variant has not been reported in the literature in individuals affected with MMP9-related conditions. ClinVar contains an entry for this variant (Variation ID: 2182747). An algorithm developed to predict the effect of missense changes on protein structure and function (PolyPhen-2) suggests that this variant is likely to be tolerated. In summary, the available evidence is currently insufficient to determine the role of this variant in disease. Therefore, it has been classified as a Variant of Uncertain Significance.